The following is an entry in ClinVar:

NM_015922.3(NSDHL):c.233T>C (p.Val78Ala)

Gene: NSDHL (NAD(P) dependent 3-beta-hydroxysteroid dehydrogenase NSDHL; plus strand). Cytogenetic location: Xq28.
Variant type: single nucleotide variant.
Coding change: c.233T>C on transcript NM_015922.3 (MANE Select); coding-DNA position 233, T replaced by C.
Protein change: p.Val78Ala; replaces valine 78 with alanine.
Molecular consequence: missense variant.
Genome position (GRCh38, 1-based): chrX:152,850,389, T>C. VCF-style: chrX-152850389-T-C. GRCh37 (hg19) VCF-style: chrX-152018933-T-C.
Other names: c.233T>C (NM_015922.2); c.233T>C, p.Val78Ala (NM_001129765.2); short protein forms V78A.
Identifiers: ClinVar variation 2726878 (VCV002726878.6), dbSNP rs140327958, ClinGen allele CA10544729.

ClinVar aggregate classification (germline): Benign/Likely benign. Review status: criteria provided, multiple submitters, no conflicts (2 of 4 stars). 3 submissions from 3 submitters: Benign (1); Likely benign (1). 1 of the submissions does not count toward it. Last evaluated 2025-12-02.

Conditions:
NSDHL-related disorder. Also called: NSDHL-Related Disorders; NSDHL-related condition. Identifiers: MedGen CN381535.

Allele frequency attached by ClinVar (database versions not stated): gnomAD exomes 0.00008; TOPMed 0.00011; ExAC 0.00013; gnomAD 0.00015; ESP Exome Variant Server 0.00047.

Submissions (3):

Labcorp Genetics (formerly Invitae), Labcorp
Classification: Benign. Last evaluated: 2025-12-02. Review status: criteria provided, single submitter. Criteria: Invitae Variant Classification Sherloc (09022015). Collection method: clinical testing. Allele origin: germline.

Blueprint Genetics
Classification: Likely benign. Last evaluated: 2023-12-28. Review status: criteria provided, single submitter. Criteria: ACMG Guidelines, 2015. Collection method: clinical testing. Allele origin: germline.

PreventionGenetics, part of Exact Sciences
Classification: Likely benign for NSDHL-related condition. Last evaluated: 2024-02-25. Review status: no assertion criteria provided. Collection method: clinical testing. Allele origin: germline. Not counted in ClinVar's aggregate classification.
Comment: This variant is classified as likely benign based on ACMG/AMP sequence variant interpretation guidelines (Richards et al. 2015 PMID: 25741868, with internal and published modifications).